The following is an entry in ClinVar:

NM_001365276.2(TNXB):c.8468-1G>A

Gene: TNXB (tenascin XB; minus strand). Cytogenetic location: 6p21.33.
Variant type: single nucleotide variant.
Coding change: c.8468-1G>A on transcript NM_001365276.2 (MANE Select); the canonical splice acceptor site of the intron before coding-DNA position 8468, G replaced by A.
Molecular consequence: splice acceptor variant. On other transcripts: intron variant (1).
Genome position (GRCh38, 1-based): chr6:32,053,712, C>T on the plus strand (G>A on the coding strand, the complement: TNXB is on the minus strand). VCF-style: chr6-32053712-C-T. GRCh37 (hg19) VCF-style: chr6-32021489-C-T.
Other names: p.?; c.8468-7G>A (NM_019105.8); c.8468-1G>A (NM_001365276.1).
Identifiers: ClinVar variation 1211759 (VCV001211759.37), dbSNP rs200718357, ClinGen allele CA3733824.

ClinVar aggregate classification (germline): Conflicting classifications of pathogenicity. Review status: criteria provided, conflicting classifications (1 of 4 stars). 8 submissions from 8 submitters: Uncertain significance (1); Benign (1); Likely benign (5). 1 of the submissions does not count toward it. Last evaluated 2026-01-18.

Conditions:
TNXB-related disorder. Also called: TNXB-related condition.
Ehlers-Danlos syndrome (EDS). Identifiers: Orphanet 98249, MedGen C0013720, MONDO:0020066.
Vesicoureteral reflux 8 (VUR8). Identifiers: Orphanet 289365, MedGen C4014831, MONDO:0014422, OMIM 615963.
Ehlers-Danlos syndrome due to tenascin-X deficiency (EDSCLL1). Also called: TNX DEFICIENCY; EHLERS-DANLOS SYNDROME, CLASSIC-LIKE; Ehlers-Danlos syndrome, classic-like, 1; TNXB-Related Classical-Like Ehlers-Danlos Syndrome; EDS DUE TO TNX DEFICIENCY. Identifiers: Orphanet 230839, MedGen C1848029, MONDO:0011670, OMIM 606408.

Allele frequency attached by ClinVar (database versions not stated): TOPMed 0.00031; gnomAD 0.00036 and 0.00039; gnomAD exomes 0.00046; ExAC 0.00047; ESP Exome Variant Server 0.00050.
gnomAD v4.1: 450 of 1,611,026 alleles (0.028%); highest among the groups gnomAD compares: African/African-American, 0.023%; 3 homozygotes.

Submissions (8):

Labcorp Genetics (formerly Invitae), Labcorp
Classification: Benign. Last evaluated: 2026-01-18. Review status: criteria provided, single submitter. Criteria: Invitae Variant Classification Sherloc (09022015). Collection method: clinical testing. Allele origin: germline.

Women's Health and Genetics/Laboratory Corporation of America, LabCorp
Classification: Likely benign. Last evaluated: 2025-10-08. Review status: criteria provided, single submitter. Criteria: LabCorp Variant Classification Summary - May 2015. Collection method: clinical testing. Allele origin: germline.
Comment: Variant summary: TNXB c.8468-7G>A alters a non-conserved nucleotide located at a position not widely known to affect splicing. Consensus agreement among computation tools predict no significant impact on normal splicing. However, these predictions have yet to be confirmed by functional studies. The variant allele was found at a frequency of 0.00046 in 243686 control chromosomes in the gnomAD database, including 1 homozygotes. This frequency is not significantly higher than estimated for disease-causing variants in TNXB, allowing no conclusion about variant significance. To our knowledge, no occurrence of c.8468-7G>A in individuals affected with TNXB-related conditions and no experimental evidence demonstrating its impact on protein function have been reported. ClinVar contains an entry for this variant (Variation ID: 1211759). Based on the evidence outlined above, the variant was classified as likely benign.

CeGaT Center for Human Genetics Tuebingen
Classification: Likely benign. Last evaluated: 2025-08-01. Review status: criteria provided, single submitter. Criteria: CeGaT Center For Human Genetics Tuebingen Variant Classification Criteria Version 2. Collection method: clinical testing. Allele origin: germline. Affected: yes. Observed: 2 variant alleles.
Comment: TNXB: BS2

Mayo Clinic Laboratories, Mayo Clinic
Classification: Likely benign. Last evaluated: 2025-04-16. Review status: criteria provided, single submitter. Criteria: ACMG Guidelines, 2015. Collection method: clinical testing. Allele origin: germline. Observed: 1 variant allele.
Comment: BS1, BS2_supporting

GeneDx
Classification: Likely benign. Last evaluated: 2021-10-23. Review status: criteria provided, single submitter. Criteria: GeneDx Variant Classification Process June 2021. Collection method: clinical testing. Allele origin: germline. Affected: yes.

Fulgent Genetics
Classification: Likely benign for Ehlers-Danlos syndrome due to tenascin-X deficiency; Vesicoureteral reflux 8. Last evaluated: 2021-10-11. Review status: criteria provided, single submitter. Criteria: ACMG Guidelines, 2015. Collection method: clinical testing. Allele origin: unknown.

Genome Diagnostics Laboratory, The Hospital for Sick Children
Classification: Uncertain significance for Ehlers-Danlos syndrome. Last evaluated: 2019-01-17. Review status: criteria provided, single submitter. Criteria: ACMG Guidelines, 2015. Collection method: clinical testing. Allele origin: germline.

PreventionGenetics, part of Exact Sciences
Classification: Likely benign for TNXB-related condition. Last evaluated: 2022-02-24. Review status: no assertion criteria provided. Collection method: clinical testing. Allele origin: germline. Not counted in ClinVar's aggregate classification.
Comment: This variant is classified as likely benign based on ACMG/AMP sequence variant interpretation guidelines (Richards et al. 2015 PMID: 25741868, with internal and published modifications).